The following is an entry in ClinVar:

NM_000218.3(KCNQ1):c.1257G>C (p.Lys419Asn)

Gene: KCNQ1 (potassium voltage-gated channel subfamily Q member 1; plus strand). Cytogenetic location: 11p15.5.
Variant type: single nucleotide variant.
Coding change: c.1257G>C on transcript NM_000218.3 (MANE Select); coding-DNA position 1257, G replaced by C.
Protein change: p.Lys419Asn; replaces lysine 419 with asparagine.
Molecular consequence: missense variant.
Genome position (GRCh38, 1-based): chr11:2,588,718, G>C. VCF-style: chr11-2588718-G-C. GRCh37 (hg19) VCF-style: chr11-2609948-G-C.
Other names: c.1161G>C, p.Lys387Asn (NM_001406836.1); c.987G>C, p.Lys329Asn (NM_001406837.1); c.717G>C, p.Lys239Asn (NM_001406838.1); c.876G>C, p.Lys292Asn (NM_181798.2); short protein forms K239N, K292N, K329N, K387N, K419N.
Identifiers: ClinVar variation 3074296 (VCV003074296.1), dbSNP rs759955554, ClinGen allele CA379134903.

ClinVar aggregate classification (germline): Uncertain significance (1 of 4 stars; one submission).

Conditions:
Long QT syndrome (LQTS). Identifiers: MedGen C0023976, MeSH D008133, MONDO:0002442. Disease mechanism: loss of function. Inheritance: Various modes of inheritance.

Submission:

All of Us Research Program, National Institutes of Health
Classification: Uncertain significance for Long QT syndrome. Last evaluated: 2023-11-02. Review status: criteria provided, single submitter. Criteria: ACMG Guidelines, 2015. Collection method: clinical testing. Allele origin: germline. Inheritance: Autosomal dominant inheritance. Observed: 1 variant allele, 1 heterozygote.
Comment: This missense variant replaces lysine with asparagine at codon 419 of the KCNQ1 protein. Computational prediction suggests that this variant may not impact protein structure and function (internally defined REVEL score threshold <= 0.5, PMID: 27666373). To our knowledge, functional studies have not been reported for this variant. This variant has not been reported in individuals affected with KCNQ1-related disorders in the literature. This variant has not been identified in the general population by the Genome Aggregation Database (gnomAD). The available evidence is insufficient to determine the role of this variant in disease conclusively. Therefore, this variant is classified as a Variant of Uncertain Significance.

This study involves interpretation of variants in research participants for the purpose of population health screening. Participant phenotype was not available at the time of variant classification. Additional details can be found in publication PMID: 35346344, PMCID: PMC8962531